The following is an entry in ClinVar:

ClinVar aggregate classification (germline): Conflicting classifications of pathogenicity. Review status: criteria provided, conflicting classifications (1 of 4 stars). 4 submissions from 4 submitters: Uncertain significance (1); Likely benign (2). 1 of the submissions does not count toward it. Last evaluated 2026-01-13.

Conditions:
Bardet-Biedl syndrome (BBS). Identifiers: Orphanet 110, MedGen C0752166, MONDO:0015229.
BBS4-related disorder. Also called: BBS4-related condition.
Bardet-Biedl syndrome 4 (BBS4). Identifiers: Orphanet 110, MedGen C2936864, MONDO:0014433, OMIM 615982.

Allele frequency attached by ClinVar (database versions not stated): gnomAD 0.00001 and 0.00002; gnomAD exomes 0.00001 and 0.00006; ExAC 0.00003; TOPMed 0.00006.
gnomAD v4.1: 24 of 1,613,934 alleles (0.0015%); highest among the groups gnomAD compares: Admixed American, 0.038%; no homozygotes.

Submissions (4):

Labcorp Genetics (formerly Invitae), Labcorp
Classification: Likely benign for Bardet-Biedl syndrome. Last evaluated: 2026-01-13. Review status: criteria provided, single submitter. Criteria: Invitae Variant Classification Sherloc (09022015). Collection method: clinical testing. Allele origin: germline.

Blueprint Genetics
Classification: Likely benign. Last evaluated: 2022-06-07. Review status: criteria provided, single submitter. Criteria: ACMG Guidelines, 2015. Collection method: clinical testing. Allele origin: germline.

Illumina Laboratory Services, Illumina
Classification: Uncertain significance for Bardet-Biedl syndrome 4. Last evaluated: 2018-01-13. Review status: criteria provided, single submitter. Criteria: ICSL Variant Classification Criteria 13 December 2019. Collection method: clinical testing. Allele origin: germline.

PreventionGenetics, part of Exact Sciences
Classification: Likely benign for BBS4-related condition. Last evaluated: 2023-11-29. Review status: no assertion criteria provided. Collection method: clinical testing. Allele origin: germline. Not counted in ClinVar's aggregate classification.
Comment: This variant is classified as likely benign based on ACMG/AMP sequence variant interpretation guidelines (Richards et al. 2015 PMID: 25741868, with internal and published modifications).

NM_033028.5(BBS4):c.1179C>T (p.Ala393=)

Gene: BBS4 (Bardet-Biedl syndrome 4; plus strand). Cytogenetic location: 15q24.1.
Variant type: single nucleotide variant.
Coding change: c.1179C>T on transcript NM_033028.5 (MANE Select); coding-DNA position 1179, C replaced by T.
Protein change: p.Ala393=; no amino-acid change (alanine 393 retained).
Molecular consequence: synonymous variant. On other transcripts: non-coding transcript variant (2).
Genome position (GRCh38, 1-based): chr15:72,735,897, C>T. VCF-style: chr15-72735897-C-T. GRCh37 (hg19) VCF-style: chr15-73028238-C-T.
Other names: c.663C>T, p.Ala221= (NM_001252678.2); c.1110C>T, p.Ala370= (NM_001320665.2).
Identifiers: ClinVar variation 417202 (VCV000417202.20), dbSNP rs780560947, ClinGen allele CA7646937.
Genomic context (GRCh38, chr15:72,735,897, plus strand): 5'-AGTAAACCTGAACTATGCTGTGCTGCTGTACAACCAGGGCGAGAAGAAGAACGCCCTGGC[C>T]CAATATCAGGAGATGGAGAAGAAAGTCAGCCTACTCAAGGACAATAGCTCTCTGGAATTT-3'
Protein context (NP_149017.2, residues 383-403): YNQGEKKNAL[Ala393=]QYQEMEKKVS